The following is an entry in ClinVar:

ClinVar aggregate classification (germline): Uncertain significance (1 of 4 stars; one submission).

gnomAD v4.1: 1 of 1,586,928 alleles (0.000063%); highest among the groups gnomAD compares: Non-Finnish European, 0.000085%; no homozygotes.

Submission:

Labcorp Genetics (formerly Invitae), Labcorp
Classification: Uncertain significance. Last evaluated: 2026-02-02. Review status: criteria provided, single submitter. Criteria: Invitae Variant Classification Sherloc (09022015). Collection method: clinical testing. Allele origin: germline.
Comment: This sequence change replaces asparagine, which is neutral and polar, with lysine, which is basic and polar, at codon 620 of the TNNI3K protein (p.Asn620Lys). This variant is not present in population databases (gnomAD no frequency). This variant has not been reported in the literature in individuals affected with TNNI3K-related conditions. An algorithm developed to predict the effect of missense changes on protein structure and function (PolyPhen-2) suggests that this variant is likely to be disruptive. In summary, the available evidence is currently insufficient to determine the role of this variant in disease. Therefore, it has been classified as a Variant of Uncertain Significance.

NM_015978.3(TNNI3K):c.1860C>A (p.Asn620Lys)

Genes: FPGT-TNNI3K (FPGT-TNNI3K readthrough; plus strand), TNNI3K (TNNI3 interacting kinase; plus strand). Cytogenetic location: 1p31.1.
Variant type: single nucleotide variant.
Coding change: c.1860C>A on transcript NM_015978.3 (MANE Select); coding-DNA position 1860, C replaced by A.
Protein change: p.Asn620Lys; replaces asparagine 620 with lysine.
Molecular consequence: missense variant.
Genome position (GRCh38, 1-based): chr1:74,436,508, C>A. VCF-style: chr1-74436508-C-A. GRCh37 (hg19) VCF-style: chr1-74902192-C-A.
Other names: c.2163C>A, p.Asn721Lys (NM_001112808.3, NM_001199327.2); short protein forms N721K, N620K.
Identifiers: ClinVar variation 4763400 (VCV004763400.1).
Genomic context (GRCh38, chr1:74,436,508, plus strand): 5'-CGTGATTTATTTTCTCTTTCCCTCAGAATCAAGATTTCTACAGTCTCTGGATGAAGACAA[C>A]ATGACAAAACAACCTGGGGTTTGCTGCTGCTTGTGTTTCCTATAATTATAAACCAATTAA-3'
Protein context (NP_057062.1, residues 610-630): SRFLQSLDED[Asn620Lys]MTKQPGNLRW